The following is an entry in ClinVar:

ClinVar aggregate classification (germline): Pathogenic (1 of 4 stars; one submission).

Submission:

Labcorp Genetics (formerly Invitae), Labcorp
Classification: Pathogenic. Last evaluated: 2025-01-31. Review status: criteria provided, single submitter. Criteria: Invitae Variant Classification Sherloc (09022015). Collection method: clinical testing. Allele origin: germline.
Comment: This sequence change creates a premature translational stop signal (p.Pro18Serfs*10) in the PISD gene. It is expected to result in an absent or disrupted protein product. Loss-of-function variants in PISD are known to be pathogenic (PMID: 30488656, 30858161). This variant is present in population databases (rs773352927, gnomAD 0.08%). This variant has not been reported in the literature in individuals affected with PISD-related conditions. For these reasons, this variant has been classified as Pathogenic.

Literature cited by the submitters: PubMed 30488656; PubMed 30858161.

NM_001326411.2(PISD):c.51_52insT (p.Pro18fs)

Genes: PISD (phosphatidylserine decarboxylase; minus strand), LOC126863123 (P300/CBP strongly-dependent group 1 enhancer GRCh37_chr22:32057235-32058434; plus strand). Cytogenetic location: 22q12.2.
Variant type: Insertion.
Coding change: c.51_52insT on transcript NM_001326411.2 (MANE Select); coding-DNA positions 51 to 52, T inserted.
Protein change: p.Pro18fs; shifts the reading frame from proline 18.
Molecular consequence: frameshift variant. On other transcripts: 5 prime UTR variant (8).
Genome position: GRCh38 VCF-style: chr22-31662157-G-GA. GRCh37 (hg19) VCF-style: chr22-32058143-G-GA.
Other names: c.51_52insT, p.Pro18fs (NM_001326412.1, NM_001326421.1); c.-99_-98insT (NM_001326413.2); c.-179_-178insT (NM_001326414.2); c.-392_-391insT (NM_001326415.2); c.-581_-580insT (NM_001326416.2); c.-472_-471insT (NM_001326417.2, NM_001326419.2); c.-50_-49insT (NM_001326418.2, NM_001326420.2); short protein forms P18fs.
Identifiers: ClinVar variation 4802627 (VCV004802627.1).